The following is an entry in ClinVar:

NM_001272046.2(VWA2):c.675G>A (p.Ser225=)

Gene: VWA2 (von Willebrand factor A domain containing 2; plus strand). Cytogenetic location: 10q25.3.
Variant type: single nucleotide variant.
Coding change: c.675G>A on transcript NM_001272046.2 (MANE Select); coding-DNA position 675, G replaced by A.
Protein change: p.Ser225=; no amino-acid change (serine 225 retained).
Molecular consequence: synonymous variant.
Genome position (GRCh38, 1-based): chr10:114,278,022, G>A. VCF-style: chr10-114278022-G-A. GRCh37 (hg19) VCF-style: chr10-116037781-G-A.
Other names: c.675G>A, p.Ser225= (NM_001320804.1).
Identifiers: ClinVar variation 774563 (VCV000774563.6), dbSNP rs142441906, ClinGen allele CA5700395.

ClinVar aggregate classification (germline): Benign. Review status: criteria provided, multiple submitters, no conflicts (2 of 4 stars). 3 submissions from 3 submitters: Benign (2). 1 of the submissions does not count toward it. Last evaluated 2018-10-10.

Conditions:
VWA2-related disorder. Also called: VWA2-related condition.

Allele frequency attached by ClinVar (database versions not stated): ESP Exome Variant Server 0.00038; 1000 Genomes Project 0.00060; 1000 Genomes Project 30x 0.00062; gnomAD 0.00068 and 0.00074; ExAC 0.00087; gnomAD exomes 0.00092; TOPMed 0.00101.
gnomAD v4.1: 1,185 of 1,612,462 alleles (0.073%); highest among the groups gnomAD compares: Admixed American, 0.22%; 3 homozygotes.

Submissions (3):

Labcorp Genetics (formerly Invitae), Labcorp
Classification: Benign. Last evaluated: 2018-10-10. Review status: criteria provided, single submitter. Criteria: Invitae Variant Classification Sherloc (09022015). Collection method: clinical testing. Allele origin: germline.

Breakthrough Genomics
Classification: Benign. Review status: criteria provided, single submitter. Criteria: ACMG Guidelines, 2015. Collection method: not provided. Allele origin: germline. Inheritance: Unknown mechanism. Affected: yes.

PreventionGenetics, part of Exact Sciences
Classification: Likely benign for VWA2-related condition. Last evaluated: 2020-10-21. Review status: no assertion criteria provided. Collection method: clinical testing. Allele origin: germline. Not counted in ClinVar's aggregate classification.
Comment: This variant is classified as likely benign based on ACMG/AMP sequence variant interpretation guidelines (Richards et al. 2015 PMID: 25741868, with internal and published modifications).